The following is an entry in ClinVar:

ClinVar aggregate classification (germline): Uncertain significance. Review status: criteria provided, multiple submitters, no conflicts (2 of 4 stars). 2 submissions from 2 submitters: Uncertain significance (2). Last evaluated 2021-09-01.

Conditions:
Charcot-Marie-Tooth disease recessive intermediate C. Also called: CHARCOT-MARIE-TOOTH NEUROPATHY, RECESSIVE INTERMEDIATE C. Identifiers: Orphanet 369867, MedGen C3809309, MONDO:0014154, OMIM 615376.
Neuronopathy, distal hereditary motor, autosomal recessive 4. Also called: Autosomal recessive lower motor neuron disease with childhood onset; NEUROPATHY, DISTAL HEREDITARY MOTOR, AUTOSOMAL RECESSIVE 4. Identifiers: Orphanet 206580, MedGen C1970211, MONDO:0012608, OMIM 611067.

Allele frequency attached by ClinVar (database versions not stated): ExAC below 0.00001; gnomAD 0.00001; TOPMed 0.00001; gnomAD exomes 0.00002.
gnomAD v4.1: 21 of 1,564,230 alleles (0.0013%); highest among the groups gnomAD compares: Non-Finnish European, 0.0017%; no homozygotes.

Submissions (2):

Labcorp Genetics (formerly Invitae), Labcorp
Classification: Uncertain significance for Neuronopathy, distal hereditary motor, autosomal recessive 4; Charcot-Marie-Tooth disease recessive intermediate C. Last evaluated: 2021-09-01. Review status: criteria provided, single submitter. Criteria: Invitae Variant Classification Sherloc (09022015). Collection method: clinical testing. Allele origin: germline.
Comment: This sequence change replaces proline with leucine at codon 505 of the PLEKHG5 protein (p.Pro505Leu). The proline residue is moderately conserved and there is a moderate physicochemical difference between proline and leucine. The frequency data for this variant in the population databases is considered unreliable, as metrics indicate poor data quality at this position in the ExAC database. This variant has not been reported in the literature in individuals affected with PLEKHG5-related conditions. ClinVar contains an entry for this variant (Variation ID: 297957). Algorithms developed to predict the effect of missense changes on protein structure and function (SIFT, PolyPhen-2, Align-GVGD) all suggest that this variant is likely to be tolerated. In summary, the available evidence is currently insufficient to determine the role of this variant in disease. Therefore, it has been classified as a Variant of Uncertain Significance.

Illumina Laboratory Services, Illumina
Classification: Uncertain significance for Neuronopathy, distal hereditary motor, autosomal recessive 4. Last evaluated: 2018-01-12. Review status: criteria provided, single submitter. Criteria: ICSL Variant Classification Criteria 13 December 2019. Collection method: clinical testing. Allele origin: germline.

NM_020631.6(PLEKHG5):c.1514C>T (p.Pro505Leu)

Gene: PLEKHG5 (pleckstrin homology and RhoGEF domain containing G5; minus strand). Cytogenetic location: 1p36.31.
Variant type: single nucleotide variant.
Coding change: c.1514C>T on transcript NM_020631.6 (MANE Select); coding-DNA position 1514, C replaced by T.
Protein change: p.Pro505Leu; replaces proline 505 with leucine.
Molecular consequence: missense variant.
Genome position (GRCh38, 1-based): chr1:6,470,763, G>A on the plus strand (C>T on the coding strand, the complement: PLEKHG5 is on the minus strand). VCF-style: chr1-6470763-G-A. GRCh37 (hg19) VCF-style: chr1-6530823-G-A.
Other names: c.1625C>T, p.Pro542Leu (NM_001042663.3, NM_001265592.2); c.1514C>T, p.Pro505Leu (NM_001042664.2, NM_001042665.2, NM_001265594.3 and 1 more transcripts); c.1721C>T, p.Pro574Leu (NM_001265593.2); short protein forms P505L, P574L, P542L.
Identifiers: ClinVar variation 297957 (VCV000297957.10), dbSNP rs770934745, ClinGen allele CA561498.